The following is an entry in ClinVar:

NM_000368.5(TSC1):c.2884A>C (p.Ile962Leu)

Gene: TSC1 (TSC complex subunit 1; minus strand). Cytogenetic location: 9q34.13.
Variant type: single nucleotide variant.
Coding change: c.2884A>C on transcript NM_000368.5 (MANE Select); coding-DNA position 2884, A replaced by C.
Protein change: p.Ile962Leu; replaces isoleucine 962 with leucine.
Molecular consequence: missense variant.
Genome position (GRCh38, 1-based): chr9:132,897,275, T>G on the plus strand (A>C on the coding strand, the complement: TSC1 is on the minus strand). VCF-style: chr9-132897275-T-G. GRCh37 (hg19) VCF-style: chr9-135772662-T-G.
Other names: c.2881A>C, p.Ile961Leu (NM_001162426.2); c.2731A>C, p.Ile911Leu (NM_001162427.2); c.2521A>C, p.Ile841Leu (NM_001362177.2); short protein forms I962L, I911L, I841L, I961L.
Identifiers: ClinVar variation 1346384 (VCV001346384.10), dbSNP rs1227198324, ClinGen allele CA375368792.

ClinVar aggregate classification (germline): Uncertain significance. Review status: criteria provided, multiple submitters, no conflicts (2 of 4 stars). 3 submissions from 3 submitters: Uncertain significance (3). Last evaluated 2026-01-19.

Conditions:
Tuberous sclerosis 1 (TSC1). Identifiers: Orphanet 805, MedGen C1854465, MONDO:0008612, OMIM 191100.
Hereditary cancer-predisposing syndrome. Also called: Hereditary Cancer Syndrome; Neoplastic Syndromes, Hereditary; Tumor predisposition; Hereditary neoplastic syndrome. Identifiers: Orphanet 140162, MedGen C0027672, MeSH D009386, MONDO:0015356.
Tuberous sclerosis syndrome (TSC). Also called: Tuberous Sclerosis Complex; Tuberous sclerosis. Identifiers: Orphanet 805, MedGen C0041341, MONDO:0001734.

Allele frequency attached by ClinVar (database versions not stated): gnomAD exomes 0.00003.
gnomAD v4.1: 40 of 1,614,162 alleles (0.0025%); highest among the groups gnomAD compares: Non-Finnish European, 0.0033%; no homozygotes.

Submissions (3):

Labcorp Genetics (formerly Invitae), Labcorp
Classification: Uncertain significance for Tuberous sclerosis 1. Last evaluated: 2026-01-19. Review status: criteria provided, single submitter. Criteria: Invitae Variant Classification Sherloc (09022015). Collection method: clinical testing. Allele origin: germline.
Comment: This sequence change replaces isoleucine, which is neutral and non-polar, with leucine, which is neutral and non-polar, at codon 962 of the TSC1 protein (p.Ile962Leu). This variant is not present in population databases (gnomAD no frequency). This variant has not been reported in the literature in individuals affected with TSC1-related conditions. ClinVar contains an entry for this variant (Variation ID: 1346384). Invitae Evidence Modeling of protein sequence and biophysical properties (such as structural, functional, and spatial information, amino acid conservation, physicochemical variation, residue mobility, and thermodynamic stability) indicates that this missense variant is not expected to disrupt TSC1 protein function with a negative predictive value of 95%. In summary, the available evidence is currently insufficient to determine the role of this variant in disease. Therefore, it has been classified as a Variant of Uncertain Significance.

Color Diagnostics, LLC DBA Color Health
Classification: Uncertain significance for Tuberous sclerosis syndrome. Last evaluated: 2025-06-09. Review status: criteria provided, single submitter. Criteria: ACMG Guidelines, 2015. Collection method: clinical testing. Allele origin: germline.
Comment: This missense variant replaces isoleucine with leucine at codon 962 of the TSC1 protein. Computational prediction suggests that this variant may not impact protein structure and function. To our knowledge, functional studies have not been reported for this variant. This variant has not been reported in individuals affected with TSC1-related disorders in the literature. This variant has not been identified in the general population by the Genome Aggregation Database (gnomAD). The available evidence is insufficient to determine the role of this variant in disease conclusively. Therefore, this variant is classified as a Variant of Uncertain Significance.

Ambry Genetics
Classification: Uncertain significance for Hereditary cancer-predisposing syndrome. Last evaluated: 2025-01-06. Review status: criteria provided, single submitter. Criteria: Ambry Variant Classification Scheme 2023. Collection method: clinical testing. Allele origin: germline.
Comment: The p.I962L variant (also known as c.2884A>C), located in coding exon 20 of the TSC1 gene, results from an A to C substitution at nucleotide position 2884. The isoleucine at codon 962 is replaced by leucine, an amino acid with highly similar properties. This amino acid position is not well conserved in available vertebrate species. In addition, this alteration is predicted to be tolerated by in silico analysis. Based on the available evidence, the clinical significance of this variant remains unclear.